The following is an entry in ClinVar:

ClinVar aggregate classification (germline): Pathogenic/Likely pathogenic. Review status: criteria provided, multiple submitters, no conflicts (2 of 4 stars). 3 submissions from 3 submitters: Pathogenic (1); Likely pathogenic (2). Last evaluated 2024-07-26.

Conditions:
Primary ciliary dyskinesia. Also called: Ciliary dyskinesia. Identifiers: Orphanet 244, MedGen C0008780, MONDO:0016575, HP:0012265.

Allele frequency attached by ClinVar (database versions not stated): gnomAD exomes below 0.00001 and 0.00001; ExAC 0.00001; gnomAD 0.00003; TOPMed 0.00003; ESP Exome Variant Server 0.00008.

Submissions (3):

Labcorp Genetics (formerly Invitae), Labcorp
Classification: Pathogenic for Primary ciliary dyskinesia. Last evaluated: 2024-07-26. Review status: criteria provided, single submitter. Criteria: Invitae Variant Classification Sherloc (09022015). Collection method: clinical testing. Allele origin: germline.
Comment: This sequence change creates a premature translational stop signal (p.Ser498Glnfs*10) in the RSPH4A gene. It is expected to result in an absent or disrupted protein product. Loss-of-function variants in RSPH4A are known to be pathogenic (PMID: 19200523). This variant is present in population databases (rs762267064, gnomAD 0.002%). This premature translational stop signal has been observed in individual(s) with clinical features of primary ciliary dyskinesia (Invitae). ClinVar contains an entry for this variant (Variation ID: 838557). For these reasons, this variant has been classified as Pathogenic.

Mayo Clinic Laboratories, Mayo Clinic
Classification: Likely pathogenic. Last evaluated: 2024-01-03. Review status: criteria provided, single submitter. Criteria: ACMG Guidelines, 2015. Collection method: clinical testing. Allele origin: germline. Observed: 1 variant allele.
Comment: PM3_supporting, PVS1

UNC Molecular Genetics  Laboratory, University of North Carolina at Chapel Hill
Classification: Likely pathogenic for Primary ciliary dyskinesia. Last evaluated: 2019-09-26. Review status: criteria provided, single submitter. Criteria: ACMG Guidelines, 2015. Collection method: clinical testing. Allele origin: germline. Affected: yes. Observed: 1 compound heterozygote.

Literature cited by the submitters: PubMed 19200523 (cited by Labcorp Genetics (formerly Invitae), Labcorp).

NM_001010892.3(RSPH4A):c.1490dup (p.Ser498fs)

Gene: RSPH4A (radial spoke head component 4A; plus strand). Cytogenetic location: 6q22.1.
Variant type: Duplication.
Coding change: c.1490dup on transcript NM_001010892.3 (MANE Select); coding-DNA position 1490, one base duplicated (T; older notation c.1490dupT).
Protein change: p.Ser498fs; shifts the reading frame from serine 498.
Molecular consequence: frameshift variant.
Genome position (GRCh38, 1-based): chr6:116,628,197, T duplicated. VCF-style (leftmost placement, unchanged base first): chr6-116628196-G-GT. GRCh37 (hg19) VCF-style: chr6-116949359-G-GT.
Other names: p.Ser498Glnfs*10; c.1490dup, p.Ser498fs (NM_001161664.2); c.1490dupT (NM_001010892.2); short protein forms S498fs.
Identifiers: ClinVar variation 838557 (VCV000838557.13), dbSNP rs762267064, ClinGen allele CA3970958.